The following is an entry in ClinVar:

ClinVar aggregate classification (germline): Benign/Likely benign. Review status: criteria provided, multiple submitters, no conflicts (2 of 4 stars). 5 submissions from 5 submitters: Benign (3); Likely benign (1). 1 of the submissions does not count toward it. Last evaluated 2026-02-03.

Conditions:
ABRAXAS1-related disorder. Also called: ABRAXAS1-related condition.
Hereditary cancer-predisposing syndrome. Also called: Tumor predisposition; Neoplastic Syndromes, Hereditary; Hereditary neoplastic syndrome; Hereditary Cancer Syndrome. Identifiers: Orphanet 140162, MedGen C0027672, MeSH D009386, MONDO:0015356.

Allele frequency attached by ClinVar (database versions not stated): 1000 Genomes Project 30x 0.02030; 1000 Genomes Project 0.02097; TOPMed 0.03865; ESP Exome Variant Server 0.03906; gnomAD 0.04174 and 0.04289; ExAC 0.04244; gnomAD exomes 0.04400.
gnomAD v4.1: 81,419 of 1,614,020 alleles (5%); highest among the groups gnomAD compares: Middle Eastern, 6.9%; 2,409 homozygotes.

Submissions (5):

Labcorp Genetics (formerly Invitae), Labcorp
Classification: Benign. Last evaluated: 2026-02-03. Review status: criteria provided, single submitter. Criteria: Invitae Variant Classification Sherloc (09022015). Collection method: clinical testing. Allele origin: germline.

GeneKor MSA
Classification: Likely benign for Hereditary cancer-predisposing syndrome. Last evaluated: 2018-08-01. Review status: criteria provided, single submitter. Criteria: ACMG Guidelines, 2015. Collection method: clinical testing. Allele origin: germline. Affected: yes.

GeneDx
Classification: Benign. Last evaluated: 2015-03-03. Review status: criteria provided, single submitter. Criteria: GeneDx Variant Classification Process June 2021. Collection method: clinical testing. Allele origin: germline. Affected: yes.

Ambry Genetics
Classification: Benign. Last evaluated: 2014-12-15. Review status: criteria provided, single submitter. Criteria: Ambry Variant Classification Scheme 2023. Collection method: clinical testing. Allele origin: germline.

PreventionGenetics, part of Exact Sciences
Classification: Benign for ABRAXAS1-related condition. Last evaluated: 2019-11-06. Review status: no assertion criteria provided. Collection method: clinical testing. Allele origin: germline. Not counted in ClinVar's aggregate classification.
Comment: This variant is classified as benign based on ACMG/AMP sequence variant interpretation guidelines (Richards et al. 2015 PMID: 25741868, with internal and published modifications).

NM_139076.3(ABRAXAS1):c.1117G>A (p.Asp373Asn)

Gene: ABRAXAS1 (abraxas 1, BRCA1 A complex subunit; minus strand). Cytogenetic location: 4q21.23.
Variant type: single nucleotide variant.
Coding change: c.1117G>A on transcript NM_139076.3 (MANE Select); coding-DNA position 1117, G replaced by A.
Protein change: p.Asp373Asn; replaces aspartic acid 373 with asparagine.
Molecular consequence: missense variant.
Genome position (GRCh38, 1-based): chr4:83,462,582, C>T on the plus strand (G>A on the coding strand, the complement: ABRAXAS1 is on the minus strand). VCF-style: chr4-83462582-C-T. GRCh37 (hg19) VCF-style: chr4-84383735-C-T.
Other names: c.790G>A, p.Asp264Asn (NM_001345962.2); short protein forms D373N, D264N.
Identifiers: ClinVar variation 416703 (VCV000416703.18), dbSNP rs13125836, ClinGen allele CA2990371.